The following is an entry in ClinVar:

NM_005379.4(MYO1A):c.376G>A (p.Glu126Lys)

Genes: MYO1A (myosin IA; minus strand), LOC126861538 (BRD4-independent group 4 enhancer GRCh37_chr12:57440635-57441834; plus strand). Cytogenetic location: 12q13.3.
Variant type: single nucleotide variant.
Coding change: c.376G>A on transcript NM_005379.4 (MANE Select); coding-DNA position 376, G replaced by A.
Protein change: p.Glu126Lys; replaces glutamic acid 126 with lysine.
Molecular consequence: missense variant.
Genome position (GRCh38, 1-based): chr12:57,047,357, C>T on the plus strand (G>A on the coding strand, the complement: MYO1A is on the minus strand). VCF-style: chr12-57047357-C-T. GRCh37 (hg19) VCF-style: chr12-57441141-C-T.
Other names: c.376G>A, p.Glu126Lys (NM_001256041.2); short protein forms E126K.
Identifiers: ClinVar variation 178456 (VCV000178456.5), dbSNP rs151045364, ClinGen allele CA182367.

ClinVar aggregate classification (germline): Likely benign. Review status: criteria provided, multiple submitters, no conflicts (2 of 4 stars). 2 submissions from 2 submitters: Likely benign (2). Last evaluated 2024-10-04.

Allele frequency attached by ClinVar (database versions not stated): 1000 Genomes Project 0.00040; ExAC 0.00045; 1000 Genomes Project 30x 0.00047; gnomAD 0.00054 and 0.00055; TOPMed 0.00064; ESP Exome Variant Server 0.00085.
gnomAD v4.1: 1,909 of 1,614,194 alleles (0.12%); highest among the groups gnomAD compares: Non-Finnish European, 0.15%; 6 homozygotes.

Submissions (2):

Blueprint Genetics
Classification: Likely benign. Last evaluated: 2024-10-04. Review status: criteria provided, single submitter. Criteria: ACMG Guidelines, 2015. Collection method: clinical testing. Allele origin: germline.

Laboratory for Molecular Medicine, Mass General Brigham Personalized Medicine
Classification: Likely benign. Last evaluated: 2014-10-04. Review status: criteria provided, single submitter. Criteria: LMM Criteria. Collection method: clinical testing. Allele origin: germline. Observed: 1 variant allele.
Comment: p.Gly126Lys in exon 5 of MYO1A: This variant is not expected to have clinical si gnificance because it has been identified in 0.1% (10/8600) of European American chromosomes by the NHLBI Exome Sequencing Project and in 1.2% (2/170) of CEU (c aucasian) chromosomes by the 1000 Genomes Project (EVS/; dbSNP rs151045364).

Literature cited by the submitters: PubMed 24616153 (cited by Laboratory for Molecular Medicine, Mass General Brigham Personalized Medicine).